The following is an entry in ClinVar:

NM_001009944.3(PKD1):c.2558C>T (p.Ala853Val)

Gene: PKD1 (polycystin 1, transient receptor potential channel interacting; minus strand). Cytogenetic location: 16p13.3.
Variant type: single nucleotide variant.
Coding change: c.2558C>T on transcript NM_001009944.3 (MANE Select); coding-DNA position 2558, C replaced by T.
Protein change: p.Ala853Val; replaces alanine 853 with valine.
Molecular consequence: missense variant.
Genome position (GRCh38, 1-based): chr16:2,114,465, G>A on the plus strand (C>T on the coding strand, the complement: PKD1 is on the minus strand). VCF-style: chr16-2114465-G-A. GRCh37 (hg19) VCF-style: chr16-2164466-G-A.
Other names: c.2558C>T, p.Ala853Val (NM_000296.4); short protein forms A853V.
Identifiers: ClinVar variation 3902575 (VCV003902575.1).

ClinVar aggregate classification (germline): Uncertain significance (1 of 4 stars; one submission).

Submission:

Women's Health and Genetics/Laboratory Corporation of America, LabCorp
Classification: Uncertain significance. Last evaluated: 2025-05-02. Review status: criteria provided, single submitter. Criteria: LabCorp Variant Classification Summary - May 2015. Collection method: clinical testing. Allele origin: germline.
Comment: Variant summary: PKD1 c.2558C>T (p.Ala853Val) results in a non-conservative amino acid change in the encoded protein sequence. Algorithms developed to predict the effect of missense changes on protein structure and function are either unavailable or do not agree on the potential impact of this missense change. The variant was absent in 231930 control chromosomes. The available data on variant occurrences in the general population are insufficient to allow any conclusion about variant significance. To our knowledge, no occurrence of c.2558C>T in individuals affected with PKD1-Biallelic Autosomal Recessive Polycystic Kidney Disease and no experimental evidence demonstrating its impact on protein function have been reported. No submitters have cited clinical-significance assessments for this variant to ClinVar. Based on the evidence outlined above, the variant was classified as uncertain significance.